The following is an entry in ClinVar:

NM_001127217.3(SMAD9):c.1260G>C (p.Lys420Asn)

Gene: SMAD9 (SMAD family member 9; minus strand). Cytogenetic location: 13q13.3.
Variant type: single nucleotide variant.
Coding change: c.1260G>C on transcript NM_001127217.3 (MANE Select); coding-DNA position 1260, G replaced by C.
Protein change: p.Lys420Asn; replaces lysine 420 with asparagine.
Molecular consequence: missense variant.
Genome position (GRCh38, 1-based): chr13:36,853,419, C>G on the plus strand (G>C on the coding strand, the complement: SMAD9 is on the minus strand). VCF-style: chr13-36853419-C-G. GRCh37 (hg19) VCF-style: chr13-37427556-C-G.
Other names: c.1149G>C, p.Lys383Asn (NM_001378621.1, NM_005905.6); short protein forms K383N, K420N.
Identifiers: ClinVar variation 1402838 (VCV001402838.6), dbSNP rs1196179939, ClinGen allele CA387866218.
Genomic context (GRCh38, chr13:36,853,419, plus strand): 5'-GTGCTTTTTTGTTTTGTTTTTCACTGAACATTTTATAACGTGATAGCAAGCACTCCTTAC[C>G]TTAACAAAACTCATCCGGATAGTACACATCTTGGTCAGTTCATACACGACTTCAAAGCCG-3'
Protein context (NP_001120689.1, residues 410-430): KMCTIRMSFV[Lys420Asn]GWGAEYHRQD

ClinVar aggregate classification (germline): Uncertain significance (1 of 4 stars; one submission).

Conditions:
Pulmonary hypertension, primary, 2. Identifiers: Orphanet 422, MedGen C3888002, MONDO:0014134, OMIM 615342.

Allele frequency attached by ClinVar (database versions not stated): TOPMed below 0.00001.
gnomAD v4.1: 7 of 1,613,860 alleles (0.00043%); highest among the groups gnomAD compares: Non-Finnish European, 0.00059%; no homozygotes.

Submission:

Labcorp Genetics (formerly Invitae), Labcorp
Classification: Uncertain significance for Pulmonary hypertension, primary, 2. Last evaluated: 2023-08-04. Review status: criteria provided, single submitter. Criteria: Invitae Variant Classification Sherloc (09022015). Collection method: clinical testing. Allele origin: germline.
Comment: This missense change has been observed in individual(s) with pulmonary arterial hypertension (PMID: 31727138). ClinVar contains an entry for this variant (Variation ID: 1402838). An algorithm developed to predict the effect of missense changes on protein structure and function (PolyPhen-2) suggests that this variant is likely to be disruptive. Variants that disrupt the consensus splice site are a relatively common cause of aberrant splicing (PMID: 17576681, 9536098). In summary, the available evidence is currently insufficient to determine the role of this variant in disease. Therefore, it has been classified as a Variant of Uncertain Significance. This variant is not present in population databases (gnomAD no frequency). This sequence change replaces lysine, which is basic and polar, with asparagine, which is neutral and polar, at codon 420 of the SMAD9 protein (p.Lys420Asn). This variant also falls at the last nucleotide of exon 6, which is part of the consensus splice site for this exon.

Literature cited by the submitters: PubMed 31727138; PubMed 17576681; PubMed 9536098.